The following is an entry in ClinVar:

ClinVar aggregate classification (germline): Uncertain significance (1 of 4 stars; one submission).

gnomAD v4.1: 1 of 1,609,050 alleles (0.000062%); highest among the groups gnomAD compares: Non-Finnish European, 0.000085%; no homozygotes.

Submission:

GeneDx
Classification: Uncertain significance. Last evaluated: 2024-09-14. Review status: criteria provided, single submitter. Criteria: GeneDx Variant Classification Process June 2021. Collection method: clinical testing. Allele origin: germline. Affected: yes.
Comment: Not observed at significant frequency in large population cohorts (gnomAD); In silico analysis supports that this missense variant has a deleterious effect on protein structure/function; Has not been previously published as pathogenic or benign to our knowledge

NM_005585.5(SMAD6):c.1067T>A (p.Ile356Asn)

Gene: SMAD6 (SMAD family member 6; plus strand). Cytogenetic location: 15q22.31.
Variant type: single nucleotide variant.
Coding change: c.1067T>A on transcript NM_005585.5 (MANE Select); coding-DNA position 1067, T replaced by A.
Protein change: p.Ile356Asn; replaces isoleucine 356 with asparagine.
Molecular consequence: missense variant. On other transcripts: non-coding transcript variant (1).
Genome position (GRCh38, 1-based): chr15:66,781,111, T>A. VCF-style: chr15-66781111-T-A. GRCh37 (hg19) VCF-style: chr15-67073449-T-A.
Other names: short protein forms I356N.
Identifiers: ClinVar variation 3769757 (VCV003769757.1).